The following is an entry in ClinVar:

ClinVar aggregate classification (germline): Benign/Likely benign. Review status: criteria provided, multiple submitters, no conflicts (2 of 4 stars). 2 submissions from 2 submitters: Benign (1); Likely benign (1). Last evaluated 2018-06-16.

Allele frequency attached by ClinVar (database versions not stated): gnomAD 0.01002; ESP Exome Variant Server 0.01104; TOPMed 0.01253; gnomAD exomes 0.00274; ExAC 0.00315; 1000 Genomes Project 0.00919; 1000 Genomes Project 30x 0.00999.
gnomAD v4.1: 3,402 of 1,604,810 alleles (0.21%); highest among the groups gnomAD compares: African/African-American, 3.8%; 70 homozygotes.

Submissions (2):

GeneDx
Classification: Likely benign. Last evaluated: 2018-06-16. Review status: criteria provided, single submitter. Criteria: GeneDx Variant Classification (06012015). Collection method: clinical testing. Allele origin: germline. Affected: yes.
Comment: This variant is considered likely benign or benign based on one or more of the following criteria: it is a conservative change, it occurs at a poorly conserved position in the protein, it is predicted to be benign by multiple in silico algorithms, and/or has population frequency not consistent with disease.

PreventionGenetics, part of Exact Sciences
Classification: Benign. Review status: criteria provided, single submitter. Criteria: ACMG Guidelines, 2015. Collection method: clinical testing. Allele origin: germline.

NM_005159.5(ACTC1):c.129+32C>A

Genes: ACTC1 (actin alpha cardiac muscle 1; minus strand), GJD2-DT (GJD2 divergent transcript; plus strand). Cytogenetic location: 15q14.
Variant type: single nucleotide variant.
Coding change: c.129+32C>A on transcript NM_005159.5 (MANE Select); 32 bases into the intron after coding-DNA position 129, C replaced by A.
Molecular consequence: intron variant.
Genome position (GRCh38, 1-based): chr15:34,794,648, G>T on the plus strand (C>A on the coding strand, the complement: ACTC1 is on the minus strand). VCF-style: chr15-34794648-G-T. GRCh37 (hg19) VCF-style: chr15-35086849-G-T.
Other names: c.129+32C>A (LRG_388t1).
Identifiers: ClinVar variation 259653 (VCV000259653.2), dbSNP rs76013827, ClinGen allele CA040856.
Genomic context (GRCh38, chr15:34,794,648, plus strand): 5'-TCATCGAACAAGAGGGTCAGGTGAGAGCCATTTCCTAGATCGCTGGACTGAAGGGGTCCC[G>T]AGTGGGACGGGGGGCTCGGCGGGAAGTTTACCTGGTGCCGCGGGCGGCCCACGATGGACG-3'